The following is an entry in ClinVar:

ClinVar aggregate classification (germline): Conflicting classifications of pathogenicity. Review status: criteria provided, conflicting classifications (1 of 4 stars). 7 submissions from 7 submitters: Uncertain significance (5); Likely benign (2). Last evaluated 2026-09-01.

Conditions:
Epidermolysis bullosa simplex 5B, with muscular dystrophy (EBS5B). Also called: Epidermolysis bullosa simplex with muscular dystrophy; EPIDERMOLYSIS BULLOSA SIMPLEX AND LIMB-GIRDLE MUSCULAR DYSTROPHY. Identifiers: Orphanet 257, MedGen C2931072, MONDO:0009181, OMIM 226670.
Epidermolysis bullosa simplex with nail dystrophy (EBS5D). Identifiers: MedGen C4225309, MONDO:0014661, OMIM 616487.
Autosomal recessive limb-girdle muscular dystrophy type 2Q (LGMDR17). Also called: MUSCULAR DYSTROPHY, LIMB-GIRDLE, AUTOSOMAL RECESSIVE 17. Identifiers: Orphanet 254361, MedGen C3150989, MONDO:0013390, OMIM 613723.
Epidermolysis bullosa simplex 5C, with pyloric atresia (EBS5C). Also called: PLEC-Related Epidermolysis Bullosa with Pyloric Atresia; PLEC1-Related Epidermolysis Bullosa with Pyloric Atresia; Epidermolysis bullosa simplex with pyloric atresia. Identifiers: Orphanet 158684, MedGen C2677349, MONDO:0012807, OMIM 612138.
Epidermolysis bullosa simplex, Ogna type (EBS5A). Also called: Pidermolysis bullosa simplex 5A, Ogna type; EPIDERMOLYSIS BULLOSA SIMPLEX 5A, OGNA TYPE. Identifiers: Orphanet 79401, MedGen C0432317, MONDO:0007555, OMIM 131950.

Allele frequency attached by ClinVar (database versions not stated): gnomAD 0.00013 and 0.00017; TOPMed 0.00014; ESP Exome Variant Server 0.00017; gnomAD exomes 0.00035 and 0.00036; ExAC 0.00049; 1000 Genomes Project 0.00100; 1000 Genomes Project 30x 0.00125.
gnomAD v4.1: 547 of 1,612,702 alleles (0.034%); highest among the groups gnomAD compares: South Asian, 0.06%; 1 homozygote.

Submissions (7):

CeGaT Center for Human Genetics Tuebingen
Classification: Likely benign. Last evaluated: 2026-09-01. Review status: criteria provided, single submitter. Criteria: CeGaT Center For Human Genetics Tuebingen Variant Classification Criteria Version 2. Collection method: clinical testing. Allele origin: germline. Affected: yes. Observed: 4 variant alleles.
Comment: PLEC: BS2

Labcorp Genetics (formerly Invitae), Labcorp
Classification: Uncertain significance for Autosomal recessive limb-girdle muscular dystrophy type 2Q; Epidermolysis bullosa simplex, Ogna type; Epidermolysis bullosa simplex with nail dystrophy; Epidermolysis bullosa simplex 5C, with pyloric atresia; Epidermolysis bullosa simplex 5B, with muscular dystrophy. Last evaluated: 2025-12-19. Review status: criteria provided, single submitter. Criteria: Invitae Variant Classification Sherloc (09022015). Collection method: clinical testing. Allele origin: germline.
Comment: This sequence change replaces proline, which is neutral and non-polar, with leucine, which is neutral and non-polar, at codon 3763 of the PLEC protein (p.Pro3763Leu). This variant is present in population databases (rs77146441, gnomAD 0.06%), including at least one homozygous and/or hemizygous individual. This variant has not been reported in the literature in individuals affected with PLEC-related conditions. ClinVar contains an entry for this variant (Variation ID: 196828). An algorithm developed to predict the effect of missense changes on protein structure and function (PolyPhen-2) suggests that this variant is likely to be disruptive. In summary, the available evidence is currently insufficient to determine the role of this variant in disease. Therefore, it has been classified as a Variant of Uncertain Significance.

Revvity Omics, Revvity
Classification: Uncertain significance. Last evaluated: 2025-08-04. Review status: criteria provided, single submitter. Criteria: ACMG Guidelines, 2015. Collection method: clinical testing. Allele origin: germline.

Mayo Clinic Laboratories, Mayo Clinic
Classification: Uncertain significance. Last evaluated: 2025-05-01. Review status: criteria provided, single submitter. Criteria: ACMG Guidelines, 2015. Collection method: clinical testing. Allele origin: germline. Observed: 4 variant alleles.

Blueprint Genetics
Classification: Uncertain significance. Last evaluated: 2024-11-07. Review status: criteria provided, single submitter. Criteria: ACMG Guidelines, 2015. Collection method: clinical testing. Allele origin: germline.

GeneDx
Classification: Likely benign. Last evaluated: 2020-02-28. Review status: criteria provided, single submitter. Criteria: GeneDx Variant Classification Process June 2021. Collection method: clinical testing. Allele origin: germline. Affected: yes.
Comment: See Variant Classification Assertion Criteria.

Eurofins Ntd Llc (ga)
Classification: Uncertain significance. Last evaluated: 2018-08-23. Review status: criteria provided, single submitter. Criteria: EGL ClinVar v180209 classification definitions. Collection method: clinical testing. Allele origin: germline. Observed: 8 variant alleles, 8 heterozygotes.

NM_201384.3(PLEC):c.11207C>T (p.Pro3736Leu)

Gene: PLEC (plectin; minus strand). Cytogenetic location: 8q24.3.
Variant type: single nucleotide variant.
Coding change: c.11207C>T on transcript NM_201384.3 (MANE Select); coding-DNA position 11207, C replaced by T.
Protein change: p.Pro3736Leu; replaces proline 3736 with leucine.
Molecular consequence: missense variant.
Genome position (GRCh38, 1-based): chr8:143,918,614, G>A on the plus strand (C>T on the coding strand, the complement: PLEC is on the minus strand). VCF-style: chr8-143918614-G-A. GRCh37 (hg19) VCF-style: chr8-144992782-G-A.
Other names: c.11288C>T, p.Pro3763Leu (NM_000445.5); c.11165C>T, p.Pro3722Leu (NM_201378.4); c.11141C>T, p.Pro3714Leu (NM_201379.3); c.11618C>T, p.Pro3873Leu (NM_201380.4); c.11111C>T, p.Pro3704Leu (NM_201381.3); c.11207C>T, p.Pro3736Leu (NM_201382.4); c.11219C>T, p.Pro3740Leu (NM_201383.3); short protein forms P3704L, P3714L, P3722L, P3736L, P3740L, P3763L, P3873L.
Identifiers: ClinVar variation 196828 (VCV000196828.63), dbSNP rs77146441, ClinGen allele CA244352.